The following is an entry in ClinVar:

ClinVar aggregate classification (germline): Uncertain significance (1 of 4 stars; one submission).

Conditions:
Proliferative vitreoretinopathy. Also called: Vitreoretinopathy, neovascular inflammatory. Identifiers: Orphanet 329211, MedGen C0242852, MONDO:0700115, OMIM 193235.

Submission:

Juno Genomics, Hangzhou Juno Genomics, Inc
Classification: Uncertain significance for Proliferative vitreoretinopathy. Review status: criteria provided, single submitter. Criteria: ACMG Guidelines, 2015. Collection method: clinical testing. Allele origin: germline.
Comment: Absent from controls (or at extremely low frequency if recessive) in Genome Aggregation Database.;Multiple lines of computational evidence support a deleterious effect on the gene or gene product.

NM_004055.5(CAPN5):c.506+1G>A

Gene: CAPN5 (calpain 5; plus strand). Cytogenetic location: 11q13.5.
Variant type: single nucleotide variant.
Coding change: c.506+1G>A on transcript NM_004055.5 (MANE Select); the canonical splice donor site of the intron after coding-DNA position 506, G replaced by A.
Molecular consequence: splice donor variant.
Genome position (GRCh38, 1-based): chr11:77,112,798, G>A. VCF-style: chr11-77112798-G-A. GRCh37 (hg19) VCF-style: chr11-76823844-G-A.
Other names: c.506+1G>A (NM_001425322.1); c.626+1G>A (NM_001425321.1); c.374+1G>A (NM_001425323.1).
Identifiers: ClinVar variation 5004986 (VCV005004986.2).